The following is an entry in ClinVar:

ClinVar aggregate classification (germline): Uncertain significance. Review status: criteria provided, multiple submitters, no conflicts (2 of 4 stars). 2 submissions from 2 submitters: Uncertain significance (2). Last evaluated 2024-11-16.

Conditions:
Tuberous sclerosis 1 (TSC1). Identifiers: Orphanet 805, MedGen C1854465, MONDO:0008612, OMIM 191100.
Hereditary cancer-predisposing syndrome. Also called: Tumor predisposition; Hereditary Cancer Syndrome; Neoplastic Syndromes, Hereditary; Hereditary neoplastic syndrome. Identifiers: Orphanet 140162, MedGen C0027672, MeSH D009386, MONDO:0015356.

Submissions (2):

Ambry Genetics
Classification: Uncertain significance for Hereditary cancer-predisposing syndrome. Last evaluated: 2024-11-16. Review status: criteria provided, single submitter. Criteria: Ambry Variant Classification Scheme 2023. Collection method: clinical testing. Allele origin: germline.
Comment: The p.Q942E variant (also known as c.2824C>G), located in coding exon 20 of the TSC1 gene, results from a C to G substitution at nucleotide position 2824. The glutamine at codon 942 is replaced by glutamic acid, an amino acid with highly similar properties. This amino acid position is conserved. In addition, this alteration is predicted to be tolerated by in silico analysis. Based on the available evidence, the clinical significance of this variant remains unclear.

Labcorp Genetics (formerly Invitae), Labcorp
Classification: Uncertain significance for Tuberous sclerosis 1. Last evaluated: 2022-04-02. Review status: criteria provided, single submitter. Criteria: Invitae Variant Classification Sherloc (09022015). Collection method: clinical testing. Allele origin: germline.
Comment: In summary, the available evidence is currently insufficient to determine the role of this variant in disease. Therefore, it has been classified as a Variant of Uncertain Significance. Algorithms developed to predict the effect of missense changes on protein structure and function output the following: SIFT: "Tolerated"; PolyPhen-2: "Benign"; Align-GVGD: "Class C0". The glutamic acid amino acid residue is found in multiple mammalian species, which suggests that this missense change does not adversely affect protein function. This variant has not been reported in the literature in individuals affected with TSC1-related conditions. This variant is not present in population databases (gnomAD no frequency). This sequence change replaces glutamine, which is neutral and polar, with glutamic acid, which is acidic and polar, at codon 942 of the TSC1 protein (p.Gln942Glu).

NM_000368.5(TSC1):c.2824C>G (p.Gln942Glu)

Gene: TSC1 (TSC complex subunit 1; minus strand). Cytogenetic location: 9q34.13.
Variant type: single nucleotide variant.
Coding change: c.2824C>G on transcript NM_000368.5 (MANE Select); coding-DNA position 2824, C replaced by G.
Protein change: p.Gln942Glu; replaces glutamine 942 with glutamic acid.
Molecular consequence: missense variant.
Genome position (GRCh38, 1-based): chr9:132,897,335, G>C on the plus strand (C>G on the coding strand, the complement: TSC1 is on the minus strand). VCF-style: chr9-132897335-G-C. GRCh37 (hg19) VCF-style: chr9-135772722-G-C.
Other names: c.2821C>G, p.Gln941Glu (NM_001406600.1, NM_001162426.2, NM_001406597.1 and 2 more transcripts); c.2809C>G, p.Gln937Glu (NM_001406601.1, NM_001406602.1); c.2782C>G, p.Gln928Glu (NM_001406605.1, NM_001406606.1, NM_001406607.1); c.2461C>G, p.Gln821Glu (NM_001406618.1, NM_001406619.1, NM_001406614.1 and 4 more transcripts); c.2806C>G, p.Gln936Glu (NM_001406603.1, NM_001406604.1); c.2458C>G, p.Gln820Glu (NM_001406620.1, NM_001406621.1, NM_001406622.1 and 1 more transcripts); c.2419C>G, p.Gln807Glu (NM_001406624.1); c.2416C>G, p.Gln806Glu (NM_001406625.1); and 8 more; short protein forms Q936E, Q624E, Q807E, Q927E, Q941E, Q625E, Q806E, Q890E.
Identifiers: ClinVar variation 2120828 (VCV002120828.5), dbSNP rs2131628564, ClinGen allele CA375368931.